The following is an entry in ClinVar:

NM_001110556.2(FLNA):c.2267A>C (p.Asn756Thr)

Gene: FLNA (filamin A; minus strand). Cytogenetic location: Xq28.
Variant type: single nucleotide variant.
Coding change: c.2267A>C on transcript NM_001110556.2 (MANE Select); coding-DNA position 2267, A replaced by C.
Protein change: p.Asn756Thr; replaces asparagine 756 with threonine.
Molecular consequence: missense variant.
Genome position (GRCh38, 1-based): chrX:154,364,035, T>G on the plus strand (A>C on the coding strand, the complement: FLNA is on the minus strand). VCF-style: chrX-154364035-T-G. GRCh37 (hg19) VCF-style: chrX-153592403-T-G.
Other names: c.2267A>C, p.Asn756Thr (NM_001456.4); short protein forms N756T.
Identifiers: ClinVar variation 3906768 (VCV003906768.1).

ClinVar aggregate classification (germline): Uncertain significance (1 of 4 stars; one submission).

Submission:

GeneDx
Classification: Uncertain significance. Last evaluated: 2024-12-17. Review status: criteria provided, single submitter. Criteria: GeneDx Variant Classification Process June 2021. Collection method: clinical testing. Allele origin: germline. Affected: yes.
Comment: Not observed at significant frequency in large population cohorts (gnomAD); In silico analysis supports that this missense variant has a deleterious effect on protein structure/function; Has not been previously published as pathogenic or benign to our knowledge